The following is an entry in ClinVar:

ClinVar aggregate classification (germline): Uncertain significance (1 of 4 stars; one submission).

Conditions:
Hereditary cancer-predisposing syndrome. Also called: Hereditary Cancer Syndrome; Neoplastic Syndromes, Hereditary; Tumor predisposition; Hereditary neoplastic syndrome. Identifiers: Orphanet 140162, MedGen C0027672, MeSH D009386, MONDO:0015356.

Submission:

Ambry Genetics
Classification: Uncertain significance for Hereditary cancer-predisposing syndrome. Last evaluated: 2026-07-31. Review status: criteria provided, single submitter. Criteria: Ambry Variant Classification Scheme 2023. Collection method: clinical testing. Allele origin: germline.
Comment: The p.F1577L variant (also known as c.4731C>A), located in coding exon 29 of the ALK gene, results from a C to A substitution at nucleotide position 4731. The phenylalanine at codon 1577 is replaced by leucine, an amino acid with highly similar properties. This amino acid position is highly conserved in available vertebrate species. In addition, this alteration is predicted to be tolerated by in silico analysis. Based on the available evidence, the clinical significance of this variant remains unclear.

NM_004304.5(ALK):c.4731C>A (p.Phe1577Leu)

Gene: ALK (ALK receptor tyrosine kinase; minus strand). Cytogenetic location: 2p23.2.
Variant type: single nucleotide variant.
Coding change: c.4731C>A on transcript NM_004304.5 (MANE Select); coding-DNA position 4731, C replaced by A.
Protein change: p.Phe1577Leu; replaces phenylalanine 1577 with leucine.
Molecular consequence: missense variant.
Genome position (GRCh38, 1-based): chr2:29,193,356, G>T on the plus strand (C>A on the coding strand, the complement: ALK is on the minus strand). VCF-style: chr2-29193356-G-T. GRCh37 (hg19) VCF-style: chr2-29416222-G-T.
Other names: c.1527C>A, p.Phe509Leu (NM_001353765.2); short protein forms F1577L, F509L.
Identifiers: ClinVar variation 5035369 (VCV005035369.1).